The following is an entry in ClinVar:

NM_002860.4(ALDH18A1):c.2294G>A (p.Arg765Gln)

Gene: ALDH18A1 (aldehyde dehydrogenase 18 family member A1; minus strand). Cytogenetic location: 10q24.1.
Variant type: single nucleotide variant.
Coding change: c.2294G>A on transcript NM_002860.4 (MANE Select); coding-DNA position 2294, G replaced by A.
Protein change: p.Arg765Gln; replaces arginine 765 with glutamine.
Molecular consequence: missense variant.
Genome position (GRCh38, 1-based): chr10:95,606,856, C>T on the plus strand (G>A on the coding strand, the complement: ALDH18A1 is on the minus strand). VCF-style: chr10-95606856-C-T. GRCh37 (hg19) VCF-style: chr10-97366613-C-T.
Other names: c.2288G>A, p.Arg763Gln (NM_001017423.2, NM_001323415.2); c.1961G>A, p.Arg654Gln (NM_001323412.2, NM_001323416.2); c.2294G>A, p.Arg765Gln (NM_001323413.2, NM_001323414.2); c.2189G>A, p.Arg730Gln (NM_001323417.2); c.1955G>A, p.Arg652Gln (NM_001323418.2); c.1658G>A, p.Arg553Gln (NM_001323419.2); short protein forms R765Q, R553Q, R763Q, R652Q, R654Q, R730Q.
Identifiers: ClinVar variation 216888 (VCV000216888.28), dbSNP rs537043237, ClinGen allele CA210009.

ClinVar aggregate classification (germline): Conflicting classifications of pathogenicity. Review status: criteria provided, conflicting classifications (1 of 4 stars). 5 submissions from 5 submitters: Pathogenic (2); Likely pathogenic (2); Uncertain significance (1). Last evaluated 2023-11-16.

Conditions:
ALDH18A1-related disorder. Also called: ALDH18A1-related disorders.
Cutis laxa, autosomal dominant 3 (ADCL3). Identifiers: Orphanet 90348, MedGen C4225268, MONDO:0014706, OMIM 616603.
Autosomal dominant spastic paraplegia type 9. Identifiers: MedGen C1832669, MONDO:0015091.
de Barsy syndrome. Also called: Cutis laxa-corneal clouding-oligophrenia syndrome. Identifiers: Orphanet 2962, MedGen C0268354, MONDO:0017569.
ALDH18A1-related de Barsy syndrome. Also called: Cutis laxa, autosomal recessive IIIA; DE BARSY SYNDROME A. Identifiers: Orphanet 2962, Orphanet 35664, MedGen C5234852, MONDO:0009053, OMIM 219150.
Abnormality of the nervous system. Also called: Congenital nervous system disorder. Identifiers: MedGen C0497552, MONDO:0002320, HP:0000707.

Allele frequency attached by ClinVar (database versions not stated): TOPMed 0.00004; 1000 Genomes Project 30x 0.00016; 1000 Genomes Project 0.00020; ExAC 0.00001; gnomAD exomes 0.00001; gnomAD 0.00002.
gnomAD v4.1: 14 of 1,614,222 alleles (0.00087%); highest among the groups gnomAD compares: Middle Eastern, 0.016%; no homozygotes.

Submissions (5):

Labcorp Genetics (formerly Invitae), Labcorp
Classification: Uncertain significance for Autosomal dominant spastic paraplegia type 9; de Barsy syndrome; Cutis laxa, autosomal dominant 3. Last evaluated: 2023-11-16. Review status: criteria provided, single submitter. Criteria: Invitae Variant Classification Sherloc (09022015). Collection method: clinical testing. Allele origin: germline.
Comment: This sequence change replaces arginine, which is basic and polar, with glutamine, which is neutral and polar, at codon 765 of the ALDH18A1 protein (p.Arg765Gln). This variant is present in population databases (rs537043237, gnomAD 0.007%). This missense change has been observed in individual(s) with clinical features of cutis laxa (PMID: 25077174, 25326637). It has also been observed to segregate with disease in related individuals. ClinVar contains an entry for this variant (Variation ID: 216888). Advanced modeling of protein sequence and biophysical properties (such as structural, functional, and spatial information, amino acid conservation, physicochemical variation, residue mobility, and thermodynamic stability) has been performed at Invitae for this missense variant, however the output from this modeling did not meet the statistical confidence thresholds required to predict the impact of this variant on ALDH18A1 protein function. In summary, the available evidence is currently insufficient to determine the role of this variant in disease. Therefore, it has been classified as a Variant of Uncertain Significance.

3billion
Classification: Pathogenic for ALDH18A1-related de Barsy syndrome. Last evaluated: 2022-09-01. Review status: criteria provided, single submitter. Criteria: ACMG Guidelines, 2015. Collection method: clinical testing. Allele origin: germline. Affected: yes. Observed: 1 heterozygote.
Comment: The variant is observed at an extremely low frequency in the gnomAD v2.1.1 dataset (total allele frequency: 0.001%). Missense changes are a common disease-causing mechanism. Functional studies provide strong evidence of the variant having a damaging effect on the gene or gene product (PMID: 25077174). In silico tool predictions suggest damaging effect of the variant on gene or gene product (REVEL: 0.83; 3Cnet: 0.63). Same nucleotide change resulting in same amino acid change has been previously reported as pathogenic/likely pathogenic with strong evidence (ClinVar ID: VCV000216888). The variant is in trans with the other variant (NM_002860.4:c.2246G>A, p.Arg749Gln). Therefore, this variant is classified as Pathogenic according to the recommendation of ACMG/AMP guideline.

Kariminejad - Najmabadi Pathology & Genetics Center
Classification: Likely pathogenic for Abnormality of the nervous system. Last evaluated: 2021-07-10. Review status: criteria provided, single submitter. Criteria: ACMG Guidelines, 2015. Collection method: clinical testing. Allele origin: germline. Affected: yes.

Blueprint Genetics
Classification: Pathogenic for ALDH18A1-related disorders. Last evaluated: 2020-12-01. Review status: criteria provided, single submitter. Criteria: ACMG Guidelines, 2015. Collection method: clinical testing. Allele origin: germline. Affected: yes. Observed: 1 variant allele.

UCLA Clinical Genomics Center, UCLA
Classification: Likely pathogenic for Cutis laxa-corneal clouding-oligophrenia syndrome. Last evaluated: 2012-11-20. Review status: criteria provided, single submitter. Criteria: Lee et al. (JAMA. 2014). Collection method: clinical testing. Allele origin: germline. Inheritance: Autosomal recessive inheritance. Affected: yes. Study: CES.

Literature cited by the submitters: PubMed 25077174 (cited by Labcorp Genetics (formerly Invitae), Labcorp and 3billion); PubMed 25326637 (cited by Labcorp Genetics (formerly Invitae), Labcorp).